The following is an entry in ClinVar:

ClinVar aggregate classification (germline): Benign/Likely benign. Review status: criteria provided, multiple submitters, no conflicts (2 of 4 stars). 4 submissions from 4 submitters: Benign (1); Likely benign (3). Last evaluated 2025-06-30.

Conditions:
Hereditary cancer-predisposing syndrome. Also called: Neoplastic Syndromes, Hereditary; Hereditary neoplastic syndrome; Tumor predisposition; Hereditary Cancer Syndrome. Identifiers: Orphanet 140162, MedGen C0027672, MeSH D009386, MONDO:0015356.
Familial adenomatous polyposis 1 (FAP1). Also called: POLYPOSIS, ADENOMATOUS INTESTINAL; FAMILIAL ADENOMATOUS POLYPOSIS 1, ATTENUATED. Identifiers: MedGen C2713442, MONDO:0021056, OMIM 175100. Disease mechanism: loss of function.

Submissions (4):

Color Diagnostics, LLC DBA Color Health
Classification: Likely benign for Hereditary cancer-predisposing syndrome. Last evaluated: 2025-06-30. Review status: criteria provided, single submitter. Criteria: ACMG Guidelines, 2015. Collection method: clinical testing. Allele origin: germline.

Labcorp Genetics (formerly Invitae), Labcorp
Classification: Likely benign for Familial adenomatous polyposis 1. Last evaluated: 2024-10-20. Review status: criteria provided, single submitter. Criteria: Invitae Variant Classification Sherloc (09022015). Collection method: clinical testing. Allele origin: germline.

Myriad Genetics, Inc.
Classification: Benign for Familial adenomatous polyposis 1. Last evaluated: 2024-02-22. Review status: criteria provided, single submitter. Criteria: Myriad Autosomal Dominant, Autosomal Recessive and X-Linked Classification Criteria (2023). Collection method: clinical testing. Allele origin: unknown.
Comment: This variant is considered benign. This variant is a silent/synonymous amino acid change and it is not expected to impact splicing.

Ambry Genetics
Classification: Likely benign for Hereditary cancer-predisposing syndrome. Last evaluated: 2021-02-06. Review status: criteria provided, single submitter. Criteria: Ambry Variant Classification Scheme 2023. Collection method: clinical testing. Allele origin: germline.

NM_000038.6(APC):c.105A>C (p.Thr35=)

Gene: APC (APC regulator of Wnt signaling pathway; plus strand). Cytogenetic location: 5q22.2.
Variant type: single nucleotide variant.
Coding change: c.105A>C on transcript NM_000038.6 (MANE Select); coding-DNA position 105, A replaced by C.
Protein change: p.Thr35=; no amino-acid change (threonine 35 retained).
Molecular consequence: synonymous variant. On other transcripts: 5 prime UTR variant (1), intron variant (8).
Genome position (GRCh38, 1-based): chr5:112,754,995, A>C. VCF-style: chr5-112754995-A-C. GRCh37 (hg19) VCF-style: chr5-112090692-A-C.
Other names: c.105A>C, p.Thr35= (NM_001127510.3, NM_001354895.2, NM_001354896.2 and 2 more transcripts); c.-931A>C (NM_001354906.2); c.166-11331A>C (NM_001354897.2, NM_001354902.2, NM_001127511.3); c.61-11331A>C (NM_001354898.2, NM_001354904.2); c.-42-11331A>C (NM_001354900.2, NM_001354901.2, NM_001354905.2).
Identifiers: ClinVar variation 794091 (VCV000794091.13), dbSNP rs1581122087, ClinGen allele CA445752584.
Genomic context (GRCh38, chr5:112,754,995, plus strand): 5'-ACTGAAGATGGAGAACTCAAATCTTCGACAAGAGCTAGAAGATAATTCCAATCATCTTAC[A>C]AAACTGGAAACTGAGGCATCTAATATGAAGGTATCAAGACTGTGACTTTTAATTGTAGTT-3'
Protein context (NP_000029.2, residues 25-45): QELEDNSNHL[Thr35=]KLETEASNMK